The following is an entry in ClinVar:

ClinVar aggregate classification (germline): Pathogenic (1 of 4 stars; one submission).

Submission:

Labcorp Genetics (formerly Invitae), Labcorp
Classification: Pathogenic. Last evaluated: 2023-11-19. Review status: criteria provided, single submitter. Criteria: Invitae Variant Classification Sherloc (09022015). Collection method: clinical testing. Allele origin: germline.
Comment: This sequence change creates a premature translational stop signal (p.Ala233Glyfs*11) in the MECR gene. It is expected to result in an absent or disrupted protein product. Loss-of-function variants in MECR are known to be pathogenic (PMID: 27817865). This variant is not present in population databases (gnomAD no frequency). This variant has not been reported in the literature in individuals affected with MECR-related conditions. For these reasons, this variant has been classified as Pathogenic.

Literature cited by the submitters: PubMed 27817865.

NM_016011.5(MECR):c.696_697dup (p.Ala233fs)

Gene: MECR (mitochondrial trans-2-enoyl-CoA reductase; minus strand). Cytogenetic location: 1p35.3.
Variant type: Duplication.
Coding change: c.696_697dup on transcript NM_016011.5 (MANE Select); coding-DNA positions 696 to 697, 2 bases duplicated (GG; older notation c.696_697dupGG).
Protein change: p.Ala233fs; shifts the reading frame from alanine 233.
Molecular consequence: frameshift variant. On other transcripts: non-coding transcript variant (4).
Genome position (GRCh38, 1-based): chr1:29,202,002-29,202,003, CC duplicated on the plus strand (GG on the coding strand, the reverse complement: MECR is on the minus strand); duplicating any 2 consecutive bases within chr1:29,202,002-29,202,006 gives the same sequence; the c. name uses the placement nearest the transcript's 3' end. VCF-style (leftmost placement, unchanged base first): chr1-29202001-G-GCC. GRCh37 (hg19) VCF-style: chr1-29528513-G-GCC.
Other names: c.468_469dup, p.Ala157fs (NM_001024732.4, NM_001349711.2, NM_001349712.2 and 2 more transcripts); c.801_802dup, p.Ala268fs (NM_001349715.2); c.780_781dup, p.Ala261fs (NM_001349716.2); c.546_547dup, p.Ala183fs (NM_001349717.2); short protein forms A233fs, A268fs, A157fs, A261fs, A183fs.
Identifiers: ClinVar variation 2814279 (VCV002814279.3), dbSNP rs2522410989, ClinGen allele CA2739272444.